The following is an entry in ClinVar:

NM_000051.4(ATM):c.3093G>A (p.Glu1031=)

Gene: ATM (ATM serine/threonine kinase; plus strand). Cytogenetic location: 11q22.3.
Variant type: single nucleotide variant.
Coding change: c.3093G>A on transcript NM_000051.4 (MANE Select); coding-DNA position 3093, G replaced by A.
Protein change: p.Glu1031=; no amino-acid change (glutamic acid 1031 retained).
Molecular consequence: synonymous variant.
Genome position (GRCh38, 1-based): chr11:108,272,547, G>A. VCF-style: chr11-108272547-G-A. GRCh37 (hg19) VCF-style: chr11-108143274-G-A.
Other names: c.3093G>A, p.Glu1031= (NM_001351834.2).
Identifiers: ClinVar variation 485193 (VCV000485193.15), dbSNP rs1555085799, ClinGen allele CA476744749.

ClinVar aggregate classification (germline): Benign/Likely benign. Review status: criteria provided, multiple submitters, no conflicts (2 of 4 stars). 3 submissions from 3 submitters: Benign (1); Likely benign (2). Last evaluated 2024-09-14.

Conditions:
Hereditary cancer-predisposing syndrome. Also called: Hereditary neoplastic syndrome; Neoplastic Syndromes, Hereditary; Tumor predisposition; Hereditary Cancer Syndrome. Identifiers: Orphanet 140162, MedGen C0027672, MeSH D009386, MONDO:0015356.
Familial cancer of breast. Also called: BREAST CANCER, FAMILIAL; Hereditary breast cancer; hereditary breast carcinoma. Identifiers: Orphanet 227535, MedGen C0346153, MONDO:0016419, OMIM 114480. Disease mechanism: loss of function.
Ataxia-telangiectasia syndrome (AT). Also called: LOUIS-BAR SYNDROME; Cerebello-oculocutaneous telangiectasia; Immunodeficiency with ataxia telangiectasia; AT, COMPLEMENTATION GROUP C; Ataxia-telangiectasia, complementation group D; ATAXIA-TELANGIECTASIA, COMPLEMENTATION GROUP A. Identifiers: Orphanet 100, MedGen C0004135, MONDO:0008840, OMIM 208900.

Submissions (3):

Labcorp Genetics (formerly Invitae), Labcorp
Classification: Likely benign for Ataxia-telangiectasia syndrome. Last evaluated: 2024-09-14. Review status: criteria provided, single submitter. Criteria: Invitae Variant Classification Sherloc (09022015). Collection method: clinical testing. Allele origin: germline.

Myriad Genetics, Inc.
Classification: Benign for Familial cancer of breast. Last evaluated: 2024-05-13. Review status: criteria provided, single submitter. Criteria: Myriad Autosomal Dominant, Autosomal Recessive and X-Linked Classification Criteria (2023). Collection method: clinical testing. Allele origin: unknown.
Comment: This variant is considered benign. This variant is a silent/synonymous amino acid change and it is not expected to impact splicing.

Ambry Genetics
Classification: Likely benign for Hereditary cancer-predisposing syndrome. Last evaluated: 2016-05-19. Review status: criteria provided, single submitter. Criteria: Ambry Variant Classification Scheme 2023. Collection method: clinical testing. Allele origin: germline.